The following is an entry in ClinVar:

ClinVar aggregate classification (germline): Conflicting classifications of pathogenicity. Review status: criteria provided, conflicting classifications (1 of 4 stars). 9 submissions from 9 submitters: Likely pathogenic (2); Uncertain significance (7). Last evaluated 2025-11-19.

Conditions:
LZTR1-related disorder. Also called: LZTR1-related disorders; LZTR1-related condition.
Hereditary cancer-predisposing syndrome. Also called: Tumor predisposition; Hereditary Cancer Syndrome; Hereditary neoplastic syndrome; Neoplastic Syndromes, Hereditary. Identifiers: Orphanet 140162, MedGen C0027672, MeSH D009386, MONDO:0015356.
Cardiovascular phenotype. Identifiers: MedGen CN230736.
LZTR1-related schwannomatosis. Also called: Schwannomatosis-2, susceptibility to; Schwannomatosis 2. Identifiers: Orphanet 93921, MedGen C3810283, MONDO:0014299, OMIM 615670.

Allele frequency attached by ClinVar (database versions not stated): gnomAD exomes 0.00002 and 0.00001; gnomAD 0.00001; ExAC 0.00001; TOPMed 0.00001.
gnomAD v4.1: 24 of 1,613,016 alleles (0.0015%); highest among the groups gnomAD compares: Middle Eastern, 0.016%; no homozygotes.

Submissions (9):

Labcorp Genetics (formerly Invitae), Labcorp
Classification: Uncertain significance. Last evaluated: 2025-11-19. Review status: criteria provided, single submitter. Criteria: Invitae Variant Classification Sherloc (09022015). Collection method: clinical testing. Allele origin: germline.
Comment: This sequence change replaces arginine, which is basic and polar, with glutamine, which is neutral and polar, at codon 630 of the LZTR1 protein (p.Arg630Gln). This variant is present in population databases (rs781776791, gnomAD 0.005%). This missense change has been observed in individual(s) with Noonan syndrome (PMID: 37838930). ClinVar contains an entry for this variant (Variation ID: 561963). Invitae Evidence Modeling of protein sequence and biophysical properties (such as structural, functional, and spatial information, amino acid conservation, physicochemical variation, residue mobility, and thermodynamic stability) indicates that this missense variant is not expected to disrupt LZTR1 protein function with a negative predictive value of 80%. In summary, the available evidence is currently insufficient to determine the role of this variant in disease. Therefore, it has been classified as a Variant of Uncertain Significance.

Ambry Genetics
Classification: Uncertain significance for Cardiovascular phenotype; Hereditary cancer-predisposing syndrome. Last evaluated: 2025-06-13. Review status: criteria provided, single submitter. Criteria: Ambry Variant Classification Scheme 2023. Collection method: clinical testing. Allele origin: germline.
Comment: The p.R630Q variant (also known as c.1889G>A), located in coding exon 16 of the LZTR1 gene, results from a G to A substitution at nucleotide position 1889. The arginine at codon 630 is replaced by glutamine, an amino acid with highly similar properties. This amino acid position is highly conserved in available vertebrate species. In addition, the in silico prediction for this alteration is inconclusive. Since supporting evidence is limited at this time, the clinical significance of this alteration remains unclear.

Revvity Omics, Revvity
Classification: Uncertain significance. Last evaluated: 2023-07-28. Review status: criteria provided, single submitter. Criteria: ACMG Guidelines, 2015. Collection method: clinical testing. Allele origin: germline.

CeGaT Center for Human Genetics Tuebingen
Classification: Uncertain significance. Last evaluated: 2023-05-01. Review status: criteria provided, single submitter. Criteria: CeGaT Center For Human Genetics Tuebingen Variant Classification Criteria Version 2. Collection method: clinical testing. Allele origin: germline. Affected: yes. Observed: 1 variant allele.
Comment: LZTR1: PS2:Supporting

PreventionGenetics, part of Exact Sciences
Classification: Uncertain significance for LZTR1-related condition. Last evaluated: 2022-09-28. Review status: criteria provided, single submitter. Criteria: ACMG Guidelines, 2015. Collection method: clinical testing. Allele origin: germline.
Comment: The LZTR1 c.1889G>A variant is predicted to result in the amino acid substitution p.Arg630Gln. To our knowledge, this variant has not been reported in the literature. This variant is reported in 0.0050% of alleles in individuals of East Asian descent in gnomAD. In ClinVar, this variant has conflicting interpretations of pathogenicity, ranging from uncertain to likely pathogenic. At this time, the clinical significance of this variant is uncertain due to the absence of conclusive functional and genetic evidence.

Women's Health and Genetics/Laboratory Corporation of America, LabCorp
Classification: Uncertain significance. Last evaluated: 2021-11-01. Review status: criteria provided, single submitter. Criteria: LabCorp Variant Classification Summary - May 2015. Collection method: clinical testing. Allele origin: germline.
Comment: Variant summary: LZTR1 c.1889G>A (p.Arg630Gln) results in a conservative amino acid change in the encoded protein sequence. Three of five in-silico tools predict a damaging effect of the variant on protein function. The variant allele was found at a frequency of 8e-06 in 250692 control chromosomes. The available data on variant occurrences in the general population are insufficient to allow any conclusion about variant significance. c.1889G>A has been reported in the literature in one individual affected with metastatic glioblastoma (Franceschi_2016). This report does not provide unequivocal conclusions about association of the variant with Noonan Syndrome. To our knowledge, no experimental evidence demonstrating an impact on protein function has been reported. Two clinical diagnostic laboratories have submitted clinical-significance assessments for this variant to ClinVar after 2014 without evidence for independent evaluation. One laboratory classified the variant as likely pathogenic, and one laboratory classified the variant as uncertain significance. Based on the evidence outlined above, the variant was classified as uncertain significance.

Centre for Mendelian Genomics, University Medical Centre Ljubljana
Classification: Likely pathogenic for LZTR1-related schwannomatosis. Last evaluated: 2020-03-31. Review status: criteria provided, single submitter. Criteria: ACMG Guidelines, 2015. Collection method: clinical testing. Allele origin: unknown. Affected: yes.
Comment: This variant was classified as: Likely pathogenic. The following ACMG criteria were applied in classifying this variant: PM2,PM3,PP1,PP3.

GeneDx
Classification: Uncertain significance. Last evaluated: 2018-07-26. Review status: criteria provided, single submitter. Criteria: GeneDx Variant Classification (06012015). Collection method: clinical testing. Allele origin: germline. Affected: yes.
Comment: The R630Q variant in the LZTR1 gene has not been reported previously as a pathogenic variant, nor as a benign variant, to our knowledge. The R630Q variant is observed in 1/18846 (0.0053%) alleles from individuals of East Asian background, and in 3/276560 total alleles, in large population cohorts (Lek et al., 2016). The R630Q variant is a semi-conservative amino acid substitution, which may impact secondary protein structure as these residues differ in some properties. In-silico analyses, including protein predictors and evolutionary conservation, support a deleterious effect. We interpret R630Q as a variant of uncertain significance.

ARUP Laboratories, Molecular Genetics and Genomics, ARUP Laboratories
Classification: Likely pathogenic. Review status: criteria provided, single submitter. Criteria: ARUP Molecular Germline Variant Investigation Process 2024. Collection method: clinical testing. Allele origin: germline.
Comment: The LZTR1 c.1889G>A; p.Arg630Gln variant (rs781776791, ClinVar Variation ID: 561963) is reported in the literature in the compound heterozygous state with a splice variant in an individual affected with Noonan syndrome (Guo 2024) and lies outside of the Kelch repeat domains (Motta 2019). These data suggest the p.Arg630Gln variant is likely to be associated with the recessive form of NS. This variant is found in the general population with an overall allele frequency of 0.000011 (3/282050 alleles) in the Genome Aggregation Database (v2.1.1). Computational analyses are uncertain whether this variant is neutral or deleterious (REVEL: 0.393). Based on available information, the p.Arg630Gln variant is considered to be likely pathogenic. References: Guo F et al. Evidence from 2100 index cases supports genome sequencing as a first-tier genetic test. Genet Med. 2024 Jan;26(1):100995. PMID: 37838930. Motta M et al. Dominant Noonan syndrome-causing LZTR1 mutations specifically affect the Kelch domain substrate-recognition surface and enhance RAS-MAPK signaling. Hum Mol Genet. 2019 Mar 15;28(6):1007-1022. PMID: 30481304.

Literature cited by the submitters: PubMed 37838930 (cited by Labcorp Genetics (formerly Invitae), Labcorp); PubMed 26803811 (cited by Ambry Genetics and Women's Health and Genetics/Laboratory Corporation of America, LabCorp).

NM_006767.4(LZTR1):c.1889G>A (p.Arg630Gln)

Gene: LZTR1 (leucine zipper like post translational regulator 1; plus strand). Cytogenetic location: 22q11.21.
Variant type: single nucleotide variant.
Coding change: c.1889G>A on transcript NM_006767.4 (MANE Select); coding-DNA position 1889, G replaced by A.
Protein change: p.Arg630Gln; replaces arginine 630 with glutamine.
Molecular consequence: missense variant.
Genome position (GRCh38, 1-based): chr22:20,994,973, G>A. VCF-style: chr22-20994973-G-A. GRCh37 (hg19) VCF-style: chr22-21349262-G-A.
Other names: short protein forms R630Q.
Identifiers: ClinVar variation 561963 (VCV000561963.39), dbSNP rs781776791, ClinGen allele CA10119098.